The following is an entry in ClinVar:

ClinVar aggregate classification (germline): Uncertain significance (1 of 4 stars; one submission).

Submission:

Labcorp Genetics (formerly Invitae), Labcorp
Classification: Uncertain significance. Last evaluated: 2024-06-26. Review status: criteria provided, single submitter. Criteria: Invitae Variant Classification Sherloc (09022015). Collection method: clinical testing. Allele origin: germline.
Comment: This sequence change replaces valine, which is neutral and non-polar, with alanine, which is neutral and non-polar, at codon 161 of the PRDM13 protein (p.Val161Ala). This variant is not present in population databases (gnomAD no frequency). This variant has not been reported in the literature in individuals affected with PRDM13-related conditions. Algorithms developed to predict the effect of missense changes on protein structure and function output the following: SIFT: "Not Available"; PolyPhen-2: "Benign"; Align-GVGD: "Not Available". The alanine amino acid residue is found in multiple mammalian species, which suggests that this missense change does not adversely affect protein function. In summary, the available evidence is currently insufficient to determine the role of this variant in disease. Therefore, it has been classified as a Variant of Uncertain Significance.

NM_021620.4(PRDM13):c.482T>C (p.Val161Ala)

Gene: PRDM13 (PR/SET domain 13; plus strand). Cytogenetic location: 6q16.2.
Variant type: single nucleotide variant.
Coding change: c.482T>C on transcript NM_021620.4 (MANE Select); coding-DNA position 482, T replaced by C.
Protein change: p.Val161Ala; replaces valine 161 with alanine.
Molecular consequence: missense variant.
Genome position (GRCh38, 1-based): chr6:99,613,117, T>C. VCF-style: chr6-99613117-T-C. GRCh37 (hg19) VCF-style: chr6-100060993-T-C.
Other names: short protein forms V161A.
Identifiers: ClinVar variation 3658027 (VCV003658027.2).